The following is an entry in ClinVar:

NM_001048174.2(MUTYH):c.532G>C (p.Glu178Gln)

Gene: MUTYH (mutY DNA glycosylase; minus strand). Cytogenetic location: 1p34.1.
Variant type: single nucleotide variant.
Coding change: c.532G>C on transcript NM_001048174.2 (MANE Select); coding-DNA position 532, G replaced by C.
Protein change: p.Glu178Gln; replaces glutamic acid 178 with glutamine.
Molecular consequence: missense variant. On other transcripts: non-coding transcript variant (7).
Genome position (GRCh38, 1-based): chr1:45,332,648, C>G on the plus strand (G>C on the coding strand, the complement: MUTYH is on the minus strand). VCF-style: chr1-45332648-C-G. GRCh37 (hg19) VCF-style: chr1-45798320-C-G.
Other names: c.532G>C, p.Glu178Gln (NM_001048171.2, NM_001048173.2, NM_001407073.1 and 6 more transcripts); c.535G>C, p.Glu179Gln (NM_001048172.2, NM_001407078.1, NM_001407071.1 and 1 more transcripts); c.616G>C, p.Glu206Gln (NM_001128425.2); c.577G>C, p.Glu193Gln (NM_001293190.2); c.565G>C, p.Glu189Gln (NM_001293191.2, NM_001407077.1, NM_001407069.1); c.448G>C, p.Glu150Gln (NM_001407075.1); c.493G>C, p.Glu165Gln (NM_001407079.1); c.490G>C, p.Glu164Gln (NM_001407080.1); and 5 more; short protein forms E63Q, E189Q, E203Q, E150Q, E185Q, E164Q, E179Q, E192Q.
Identifiers: ClinVar variation 4113760 (VCV004113760.1).
Genomic context (GRCh38, chr1:45,332,648, plus strand): 5'-TAGAGGCAATGGCCCCAGCTGTGTAGCGCCCCACGCCAGGCAGGAGCTGCTGCAGGGTCT[C>G]TGCTGTACGTGGCATGTGGCCCCCTAGCTCCTCTACCACCTGATTGGAGTGCAAGACTCA-3'
Protein context (NP_001041639.1, residues 168-188): ELGGHMPRTA[Glu178Gln]TLQQLLPGVG

ClinVar aggregate classification (germline): Uncertain significance (1 of 4 stars; one submission).

Conditions:
Hereditary cancer-predisposing syndrome. Also called: Hereditary neoplastic syndrome; Neoplastic Syndromes, Hereditary; Tumor predisposition; Hereditary Cancer Syndrome. Identifiers: Orphanet 140162, MedGen C0027672, MeSH D009386, MONDO:0015356.

Submission:

Ambry Genetics
Classification: Uncertain significance for Hereditary cancer-predisposing syndrome. Last evaluated: 2025-08-27. Review status: criteria provided, single submitter. Criteria: Ambry Variant Classification Scheme 2023. Collection method: clinical testing. Allele origin: germline.
Comment: The p.E206Q variant (also known as c.616G>C), located in coding exon 8 of the MUTYH gene, results from a G to C substitution at nucleotide position 616. The glutamic acid at codon 206 is replaced by glutamine, an amino acid with highly similar properties. This amino acid position is conserved. In addition, the in silico prediction for this alteration is inconclusive. Based on the available evidence, the clinical significance of this variant remains unclear.